The following is an entry in ClinVar:

ClinVar aggregate classification (germline): Uncertain significance (1 of 4 stars; one submission).

Conditions:
Dilated cardiomyopathy 1G (CMD1G). Identifiers: Orphanet 154, MedGen C1858763, MONDO:0011400, OMIM 604145.
Autosomal recessive limb-girdle muscular dystrophy type 2J (LGMDR10). Also called: Limb-girdle muscular dystrophy, type 2J; MUSCULAR DYSTROPHY, LIMB-GIRDLE, AUTOSOMAL RECESSIVE 10. Identifiers: Orphanet 140922, MedGen C1837342, MONDO:0012127, OMIM 608807.

Allele frequency attached by ClinVar (database versions not stated): gnomAD exomes below 0.00001.
gnomAD v4.1: 1 of 1,591,996 alleles (0.000063%); highest among the groups gnomAD compares: Non-Finnish European, 0.000086%; no homozygotes.

Submission:

Labcorp Genetics (formerly Invitae), Labcorp
Classification: Uncertain significance for Dilated cardiomyopathy 1G; Autosomal recessive limb-girdle muscular dystrophy type 2J. Last evaluated: 2019-09-13. Review status: criteria provided, single submitter. Criteria: Invitae Variant Classification Sherloc (09022015). Collection method: clinical testing. Allele origin: germline.
Comment: This variant is not present in population databases (ExAC no frequency). This variant has not been reported in the literature in individuals with TTN-related conditions. Nucleotide substitutions within the consensus splice site are a relatively common cause of aberrant splicing (PMID: 17576681, 9536098). Algorithms developed to predict the effect of sequence changes on RNA splicing suggest that this variant may disrupt the consensus splice site, but this prediction has not been confirmed by published transcriptional studies. In summary, the available evidence is currently insufficient to determine the role of this variant in disease. Therefore, it has been classified as a Variant of Uncertain Significance. This variant is located in the I band of TTN (PMID: 25589632). Variants in this region may be relevant for neuromuscular disorders, but have not been definitively shown to cause cardiomyopathy (PMID: 23975875). This sequence change falls in intron 41 of the TTN gene. It does not directly change the encoded amino acid sequence of the TTN protein, but it affects a nucleotide within the consensus splice site of the intron.

Literature cited by the submitters: PubMed 17576681; PubMed 9536098; PubMed 25589632; PubMed 23975875.

NM_001267550.2(TTN):c.9703+5G>A

Gene: TTN (titin; minus strand). Cytogenetic location: 2q31.2.
Variant type: single nucleotide variant.
Coding change: c.9703+5G>A on transcript NM_001267550.2 (MANE Select); 5 bases into the intron after coding-DNA position 9703, G replaced by A.
Molecular consequence: intron variant.
Genome position (GRCh38, 1-based): chr2:178,766,376, C>T on the plus strand (G>A on the coding strand, the complement: TTN is on the minus strand). VCF-style: chr2-178766376-C-T. GRCh37 (hg19) VCF-style: chr2-179631103-C-T.
Other names: c.9565+5G>A (NM_003319.4, NM_133437.4, NM_133432.3); c.9703+5G>A (NM_133378.4, NM_001256850.1, NM_133379.5).
Identifiers: ClinVar variation 939602 (VCV000939602.10), dbSNP rs2090429977, ClinGen allele CA1139657490.
Genomic context (GRCh38, chr2:178,766,376, plus strand): 5'-TGACTTAAACAGGAGGATTATTTCTGATGGATCCACAAAATATGCTGAAATCTGTCCCTA[C>T]ATACCATTGACATAGAGAGTGACAGAACTCCTGTTCCTTCCTGCCACAAAGGTGTATTCT-3'